The following is an entry in ClinVar:

ClinVar aggregate classification (germline): Uncertain significance (1 of 4 stars; one submission).

Conditions:
Singleton-Merten syndrome 1 (SGMRT1). Also called: Widened medullary cavities of bone, aortic calcification, abnormal dentition, and muscular weakness; Syndrome of widened medullary cavities of the metacarpals and phalanges, aortic calcification and abnormal dentition. Identifiers: Orphanet 85191, MedGen C4225427, MONDO:0024535, OMIM 182250.
Aicardi-Goutieres syndrome 7 (AGS7). Identifiers: Orphanet 51, MedGen C3888244, MONDO:0014367, OMIM 615846.

Allele frequency attached by ClinVar (database versions not stated): TOPMed below 0.00001; ESP Exome Variant Server 0.00008.

Submission:

Labcorp Genetics (formerly Invitae), Labcorp
Classification: Uncertain significance for Aicardi-Goutieres syndrome 7; Singleton-Merten syndrome 1. Last evaluated: 2021-11-30. Review status: criteria provided, single submitter. Criteria: Invitae Variant Classification Sherloc (09022015). Collection method: clinical testing. Allele origin: germline.
Comment: Algorithms developed to predict the effect of missense changes on protein structure and function output the following: SIFT: "Tolerated"; PolyPhen-2: "Benign"; Align-GVGD: "Class C0". The aspartic acid amino acid residue is found in multiple mammalian species, which suggests that this missense change does not adversely affect protein function. In summary, the available evidence is currently insufficient to determine the role of this variant in disease. Therefore, it has been classified as a Variant of Uncertain Significance. This variant has not been reported in the literature in individuals affected with IFIH1-related conditions. This sequence change replaces histidine, which is basic and polar, with aspartic acid, which is acidic and polar, at codon 859 of the IFIH1 protein (p.His859Asp). This variant is not present in population databases (gnomAD no frequency).

NM_022168.4(IFIH1):c.2575C>G (p.His859Asp)

Gene: IFIH1 (interferon induced with helicase C domain 1; minus strand). Cytogenetic location: 2q24.2.
Variant type: single nucleotide variant.
Coding change: c.2575C>G on transcript NM_022168.4 (MANE Select); coding-DNA position 2575, C replaced by G.
Protein change: p.His859Asp; replaces histidine 859 with aspartic acid.
Molecular consequence: missense variant.
Genome position (GRCh38, 1-based): chr2:162,272,267, G>C on the plus strand (C>G on the coding strand, the complement: IFIH1 is on the minus strand). VCF-style: chr2-162272267-G-C. GRCh37 (hg19) VCF-style: chr2-163128777-G-C.
Other names: short protein forms H859D.
Identifiers: ClinVar variation 1428149 (VCV001428149.6), dbSNP rs373382295, ClinGen allele CA59655617.
Genomic context (GRCh38, chr2:162,272,267, plus strand): 5'-CAGAGGTGACCAACAATACCTTATGAGCATACTCCTCTGGTTTCATATTTTGAACACAAT[G>C]TATAGCTTTATACATCATCTTCTCTCGGAAATCATTAACTGTCTCATGTTCGATAACTCC-3'
Protein context (NP_071451.2, residues 849-869): FREKMMYKAI[His859Asp]CVQNMKPEEY